The following is an entry in ClinVar:

NM_001040108.2(MLH3):c.2932A>G (p.Lys978Glu)

Gene: MLH3 (mutL homolog 3; minus strand). Cytogenetic location: 14q24.3.
Variant type: single nucleotide variant.
Coding change: c.2932A>G on transcript NM_001040108.2 (MANE Select); coding-DNA position 2932, A replaced by G.
Protein change: p.Lys978Glu; replaces lysine 978 with glutamic acid.
Molecular consequence: missense variant.
Genome position (GRCh38, 1-based): chr14:75,046,724, T>C on the plus strand (A>G on the coding strand, the complement: MLH3 is on the minus strand). VCF-style: chr14-75046724-T-C. GRCh37 (hg19) VCF-style: chr14-75513427-T-C.
Other names: c.2932A>G, p.Lys978Glu (NM_014381.3); short protein forms K978E.
Identifiers: ClinVar variation 1040983 (VCV001040983.15), dbSNP rs201276317, ClinGen allele CA7275612.

ClinVar aggregate classification (germline): Uncertain significance. Review status: criteria provided, multiple submitters, no conflicts (2 of 4 stars). 3 submissions from 3 submitters: Uncertain significance (3). Last evaluated 2025-06-07.

Conditions:
Colorectal cancer, hereditary nonpolyposis, type 7. Identifiers: Orphanet 144, MedGen C1858380, MONDO:0013725, OMIM 614385.

Allele frequency attached by ClinVar (database versions not stated): gnomAD 0.00002; TOPMed 0.00003; gnomAD exomes 0.00001; ExAC 0.00001; ESP Exome Variant Server 0.00008.
gnomAD v4.1: 25 of 1,614,052 alleles (0.0015%); highest among the groups gnomAD compares: Non-Finnish European, 0.002%; no homozygotes.

Submissions (3):

Dasa
Classification: Uncertain significance. Last evaluated: 2025-06-07. Review status: criteria provided, single submitter. Criteria: DASA Assertion Criteria. Collection method: clinical testing. Allele origin: germline.
Comment: NM_001040108.2(MLH3):c.2932A>G (p.Lys978Glu) is a missense variant that results in the substitution of lysine with glutamic acid. This variant is rare in population databases. Computational prediction algorithms are consistent with a benign effect. The currently available literature and clinical evidence are not sufficient to establish a definitive association between this variant and the reported condition. Therefore, this variant is classified as a variant of uncertain significance.

Ambry Genetics
Classification: Uncertain significance. Last evaluated: 2024-11-15. Review status: criteria provided, single submitter. Criteria: Ambry Variant Classification Scheme 2023. Collection method: clinical testing. Allele origin: germline.

Labcorp Genetics (formerly Invitae), Labcorp
Classification: Uncertain significance for Colorectal cancer, hereditary nonpolyposis, type 7. Last evaluated: 2024-05-05. Review status: criteria provided, single submitter. Criteria: Invitae Variant Classification Sherloc (09022015). Collection method: clinical testing. Allele origin: germline.
Comment: This sequence change replaces lysine, which is basic and polar, with glutamic acid, which is acidic and polar, at codon 978 of the MLH3 protein (p.Lys978Glu). This variant is present in population databases (rs201276317, gnomAD 0.003%). This variant has not been reported in the literature in individuals affected with MLH3-related conditions. ClinVar contains an entry for this variant (Variation ID: 1040983). Algorithms developed to predict the effect of missense changes on protein structure and function output the following: SIFT: "Not Available"; PolyPhen-2: "Benign"; Align-GVGD: "Not Available". The glutamic acid amino acid residue is found in multiple mammalian species, which suggests that this missense change does not adversely affect protein function. In summary, the available evidence is currently insufficient to determine the role of this variant in disease. Therefore, it has been classified as a Variant of Uncertain Significance.